The following is an entry in ClinVar:

ClinVar aggregate classification (germline): Benign. Review status: criteria provided, multiple submitters, no conflicts (2 of 4 stars). 3 submissions from 3 submitters: Benign (2). 1 of the submissions does not count toward it. Last evaluated 2018-01-12.

Conditions:
CRISPLD2-related disorder. Also called: CRISPLD2-related condition.

Allele frequency attached by ClinVar (database versions not stated): ESP Exome Variant Server 0.00077; TOPMed 0.00078; gnomAD 0.00175; 1000 Genomes Project 30x 0.00297; ExAC 0.00315; 1000 Genomes Project 0.00319.
gnomAD v4.1: 3,016 of 1,613,828 alleles (0.19%); highest among the groups gnomAD compares: South Asian, 1.2%; 22 homozygotes.

Submissions (3):

Labcorp Genetics (formerly Invitae), Labcorp
Classification: Benign. Last evaluated: 2018-01-12. Review status: criteria provided, single submitter. Criteria: Invitae Variant Classification Sherloc (09022015). Collection method: clinical testing. Allele origin: germline.

Breakthrough Genomics
Classification: Benign. Review status: criteria provided, single submitter. Criteria: ACMG Guidelines, 2015. Collection method: not provided. Allele origin: germline. Inheritance: Unknown mechanism. Affected: yes.

PreventionGenetics, part of Exact Sciences
Classification: Benign for CRISPLD2-related condition. Last evaluated: 2019-04-10. Review status: no assertion criteria provided. Collection method: clinical testing. Allele origin: germline. Not counted in ClinVar's aggregate classification.
Comment: This variant is classified as benign based on ACMG/AMP sequence variant interpretation guidelines (Richards et al. 2015 PMID: 25741868, with internal and published modifications).

NM_031476.4(CRISPLD2):c.1292A>G (p.Asn431Ser)

Genes: CRISPLD2 (cysteine rich secretory protein LCCL domain containing 2; plus strand), LOC126862429 (CDK7 strongly-dependent group 2 enhancer GRCh37_chr16:84913207-84914406; plus strand). Cytogenetic location: 16q24.1.
Variant type: single nucleotide variant.
Coding change: c.1292A>G on transcript NM_031476.4 (MANE Select); coding-DNA position 1292, A replaced by G.
Protein change: p.Asn431Ser; replaces asparagine 431 with serine.
Molecular consequence: missense variant.
Genome position (GRCh38, 1-based): chr16:84,880,571, A>G. VCF-style: chr16-84880571-A-G. GRCh37 (hg19) VCF-style: chr16-84914177-A-G.
Other names: short protein forms N431S.
Identifiers: ClinVar variation 783066 (VCV000783066.6), dbSNP rs139975503, ClinGen allele CA8212061.